The following is an entry in ClinVar:

ClinVar aggregate classification (germline): Uncertain significance (1 of 4 stars; one submission).

Conditions:
Leukocyte adhesion deficiency 1 (LAD1). Also called: LEUKOCYTE ADHESION DEFICIENCY, TYPE I; LAD 1; Lymphocyte function-associated antigen 1 immunodeficiency; LFA 1 immunodeficiency. Identifiers: Orphanet 2968, Orphanet 99842, MedGen C0398738, MONDO:0007293, OMIM 116920.

Allele frequency attached by ClinVar (database versions not stated): gnomAD exomes 0.00001 and 0.00002; gnomAD 0.00002; TOPMed 0.00002; ExAC 0.00003; ESP Exome Variant Server 0.00008.
gnomAD v4.1: 13 of 1,613,686 alleles (0.00081%); highest among the groups gnomAD compares: African/African-American, 0.0053%; no homozygotes.

Submission:

Labcorp Genetics (formerly Invitae), Labcorp
Classification: Uncertain significance for Leukocyte adhesion deficiency 1. Last evaluated: 2021-05-04. Review status: criteria provided, single submitter. Criteria: Invitae Variant Classification Sherloc (09022015). Collection method: clinical testing. Allele origin: germline.
Comment: In summary, the available evidence is currently insufficient to determine the role of this variant in disease. Therefore, it has been classified as a Variant of Uncertain Significance. Algorithms developed to predict the effect of missense changes on protein structure and function (SIFT, PolyPhen-2, Align-GVGD) all suggest that this variant is likely to be disruptive, but these predictions have not been confirmed by published functional studies and their clinical significance is uncertain. This variant has not been reported in the literature in individuals with ITGB2-related conditions. This variant is present in population databases (rs371854500, ExAC 0.01%). This sequence change replaces arginine with serine at codon 71 of the ITGB2 protein (p.Arg71Ser). The arginine residue is moderately conserved and there is a moderate physicochemical difference between arginine and serine.

NM_000211.5(ITGB2):c.213G>C (p.Arg71Ser)

Gene: ITGB2 (integrin subunit beta 2; minus strand). Cytogenetic location: 21q22.3.
Variant type: single nucleotide variant.
Coding change: c.213G>C on transcript NM_000211.5 (MANE Select); coding-DNA position 213, G replaced by C.
Protein change: p.Arg71Ser; replaces arginine 71 with serine.
Molecular consequence: missense variant.
Genome position (GRCh38, 1-based): chr21:44,907,030, C>G on the plus strand (G>C on the coding strand, the complement: ITGB2 is on the minus strand). VCF-style: chr21-44907030-C-G. GRCh37 (hg19) VCF-style: chr21-46326945-C-G.
Other names: c.213G>C, p.Arg71Ser (NM_001127491.3); c.6G>C, p.Arg2Ser (NM_001303238.2); short protein forms R71S, R2S.
Identifiers: ClinVar variation 1424290 (VCV001424290.6), dbSNP rs371854500, ClinGen allele CA10063291.